The following is an entry in ClinVar:

NM_017849.4(TMEM127):c.182del (p.Cys61fs)

Gene: TMEM127 (transmembrane protein 127; minus strand). Cytogenetic location: 2q11.2.
Variant type: Deletion.
Coding change: c.182del on transcript NM_017849.4 (MANE Select); coding-DNA position 182, one base deleted (G; older notation c.182delG).
Protein change: p.Cys61fs; shifts the reading frame from cysteine 61.
Molecular consequence: frameshift variant. On other transcripts: intron variant (1).
Genome position (GRCh38, 1-based): chr2:96,265,200, C deleted on the plus strand (G on the coding strand, the reverse complement: TMEM127 is on the minus strand). VCF-style (leftmost placement, unchanged base first): chr2-96265199-AC-A. GRCh37 (hg19) VCF-style: chr2-96930937-AC-A.
Other names: c.-9+669del (NM_001407283.1); c.182del, p.Cys61fs (NM_001193304.3); short protein forms C61fs.
Identifiers: ClinVar variation 2625511 (VCV002625511.5), dbSNP rs2467285271, ClinGen allele CA2582342414.

ClinVar aggregate classification (germline): Pathogenic. Review status: criteria provided, multiple submitters, no conflicts (2 of 4 stars). 2 submissions from 2 submitters: Pathogenic (2). Last evaluated 2023-08-29.

Conditions:
Hereditary cancer-predisposing syndrome. Also called: Neoplastic Syndromes, Hereditary; Tumor predisposition; Hereditary Cancer Syndrome; Hereditary neoplastic syndrome. Identifiers: Orphanet 140162, MedGen C0027672, MeSH D009386, MONDO:0015356.
Hereditary pheochromocytoma and paraganglioma. Also called: Hereditary paragangliomas and pheochromocytomas; Hereditary Paraganglioma-Pheochromocytoma Syndromes; Hereditary pheochromocytoma-paraganglioma. Identifiers: Orphanet 29072, MedGen C4274332, MONDO:0017366.

Submissions (2):

Ambry Genetics
Classification: Pathogenic for Hereditary cancer-predisposing syndrome. Last evaluated: 2023-08-29. Review status: criteria provided, single submitter. Criteria: Ambry Variant Classification Scheme 2023. Collection method: clinical testing. Allele origin: germline.
Comment: The c.182delG pathogenic mutation, located in coding exon 1 of the TMEM127 gene, results from a deletion of one nucleotide at nucleotide position 182, causing a translational frameshift with a predicted alternate stop codon (p.C61Ffs*20). This variant is considered to be rare based on population cohorts in the Genome Aggregation Database (gnomAD). This alteration is expected to result in loss of function by premature protein truncation or nonsense-mediated mRNA decay. As such, this alteration is interpreted as a disease-causing mutation.

Labcorp Genetics (formerly Invitae), Labcorp
Classification: Pathogenic for Hereditary pheochromocytoma and paraganglioma. Last evaluated: 2023-03-15. Review status: criteria provided, single submitter. Criteria: Invitae Variant Classification Sherloc (09022015). Collection method: clinical testing. Allele origin: germline.
Comment: This sequence change creates a premature translational stop signal (p.Cys61Phefs*20) in the TMEM127 gene. It is expected to result in an absent or disrupted protein product. Loss-of-function variants in TMEM127 are known to be pathogenic (PMID: 20154675, 21156949). This variant is not present in population databases (gnomAD no frequency). This variant has not been reported in the literature in individuals affected with TMEM127-related conditions. For these reasons, this variant has been classified as Pathogenic.

Literature cited by the submitters: PubMed 20154675 (cited by Labcorp Genetics (formerly Invitae), Labcorp); PubMed 21156949 (cited by Labcorp Genetics (formerly Invitae), Labcorp).